The following is an entry in ClinVar:

ClinVar aggregate classification (germline): Uncertain significance (1 of 4 stars; one submission).

Submission:

Labcorp Genetics (formerly Invitae), Labcorp
Classification: Uncertain significance. Last evaluated: 2022-05-18. Review status: criteria provided, single submitter. Criteria: Invitae Variant Classification Sherloc (09022015). Collection method: clinical testing. Allele origin: germline.
Comment: This sequence change replaces tryptophan, which is neutral and slightly polar, with glycine, which is neutral and non-polar, at codon 1511 of the ALPK3 protein (p.Trp1511Gly). This variant is not present in population databases (gnomAD no frequency). This variant has not been reported in the literature in individuals affected with ALPK3-related conditions. Algorithms developed to predict the effect of missense changes on protein structure and function are either unavailable or do not agree on the potential impact of this missense change (SIFT: "Deleterious"; PolyPhen-2: "Probably Damaging"; Align-GVGD: "Class C0"). In summary, the available evidence is currently insufficient to determine the role of this variant in disease. Therefore, it has been classified as a Variant of Uncertain Significance.

NM_020778.5(ALPK3):c.3925T>G (p.Trp1309Gly)

Gene: ALPK3 (alpha kinase 3; plus strand). Cytogenetic location: 15q25.3.
Variant type: single nucleotide variant.
Coding change: c.3925T>G on transcript NM_020778.5 (MANE Select); coding-DNA position 3925, T replaced by G.
Protein change: p.Trp1309Gly; replaces tryptophan 1309 with glycine.
Molecular consequence: missense variant.
Genome position (GRCh38, 1-based): chr15:84,859,350, T>G. VCF-style: chr15-84859350-T-G. GRCh37 (hg19) VCF-style: chr15-85402581-T-G.
Other names: short protein forms W1309G.
Identifiers: ClinVar variation 1996167 (VCV001996167.4), dbSNP rs2505724026, ClinGen allele CA393361603.
Genomic context (GRCh38, chr15:84,859,350, plus strand): 5'-TCCGGTAGCCTGAAGCTGTGGTGCCAGTTTTTCAACATTCTTAGTGACTCAGTCTTGACA[T>G]GGGCCAAGGATCAGCGCCCAGTGGGCGAGGTGGGCAGGAGGTAAGCCAACGACACCACTG-3'
Protein context (NP_065829.4, residues 1299-1319): FNILSDSVLT[Trp1309Gly]AKDQRPVGEV